The following is an entry in ClinVar:

NM_001130438.3(SPTAN1):c.7067G>A (p.Cys2356Tyr)

Gene: SPTAN1 (spectrin alpha, non-erythrocytic 1; plus strand). Cytogenetic location: 9q34.11.
Variant type: single nucleotide variant.
Coding change: c.7067G>A on transcript NM_001130438.3 (MANE Select); coding-DNA position 7067, G replaced by A.
Protein change: p.Cys2356Tyr; replaces cysteine 2356 with tyrosine.
Molecular consequence: missense variant.
Genome position (GRCh38, 1-based): chr9:128,632,625, G>A. VCF-style: chr9-128632625-G-A. GRCh37 (hg19) VCF-style: chr9-131394904-G-A.
Other names: c.7166G>A, p.Cys2389Tyr (NM_001375318.1); c.7052G>A, p.Cys2351Tyr (NM_003127.4); c.6992G>A, p.Cys2331Tyr (NM_001195532.2); c.7130G>A, p.Cys2377Tyr (NM_001363759.2); c.7007G>A, p.Cys2336Tyr (NM_001363765.2, NM_001375314.2); c.7154G>A, p.Cys2385Tyr (NM_001375310.1); c.7067G>A, p.Cys2356Tyr (NM_001375311.2); c.7103G>A, p.Cys2368Tyr (NM_001375312.2); and 1 more; short protein forms C2350Y, C2351Y, C2368Y, C2385Y, C2331Y, C2336Y, C2356Y, C2377Y.
Identifiers: ClinVar variation 2710823 (VCV002710823.3), dbSNP rs2542391308, ClinGen allele CA375100554.

ClinVar aggregate classification (germline): Uncertain significance (1 of 4 stars; one submission).

Conditions:
Early-infantile DEE. Also called: Early infantile epileptic encephalopathy with suppression bursts; Early infantile epileptic encephalopathy; Ohtahara syndrome. Identifiers: Orphanet 1934, MedGen C0393706, MONDO:0800491.

Submission:

Labcorp Genetics (formerly Invitae), Labcorp
Classification: Uncertain significance for Early-infantile DEE. Last evaluated: 2024-01-22. Review status: criteria provided, single submitter. Criteria: Invitae Variant Classification Sherloc (09022015). Collection method: clinical testing. Allele origin: germline.
Comment: This sequence change replaces cysteine, which is neutral and slightly polar, with tyrosine, which is neutral and polar, at codon 2356 of the SPTAN1 protein (p.Cys2356Tyr). This variant is not present in population databases (gnomAD no frequency). This variant has not been reported in the literature in individuals affected with SPTAN1-related conditions. Advanced modeling of protein sequence and biophysical properties (such as structural, functional, and spatial information, amino acid conservation, physicochemical variation, residue mobility, and thermodynamic stability) has been performed at Invitae for this missense variant, however the output from this modeling did not meet the statistical confidence thresholds required to predict the impact of this variant on SPTAN1 protein function. In summary, the available evidence is currently insufficient to determine the role of this variant in disease. Therefore, it has been classified as a Variant of Uncertain Significance.